The following is an entry in ClinVar:

NC_012920.1(MT-CYB):m.15381C>T

Gene: MT-CYB (mitochondrially encoded cytochrome b; plus strand).
Variant type: single nucleotide variant.
Genome position: chrM-15381-C-T.
Identifiers: ClinVar variation 693874 (VCV000693874.1), dbSNP rs199721378, ClinGen allele CA337100378.

ClinVar aggregate classification (germline): Likely benign (1 of 4 stars; one submission).

Conditions:
Leigh syndrome (NULS). Also called: Leigh's necrotizing encephalopathy; Leigh's disease; Leigh's syndrome; LEIGH SYNDROME, NUCLEAR; Leigh Syndrome (mtDNA deletion); Leigh Disease. Identifiers: Orphanet 506, MedGen C2931891, MONDO:0009723, OMIM 256000.

Submission:

Wong Mito Lab, Molecular and Human Genetics, Baylor College of Medicine
Classification: Likely benign for Leigh syndrome. Last evaluated: 2019-10-17. Review status: criteria provided, single submitter. Criteria: Modified ACMG Guidelines (Unpublished). Collection method: clinical testing. Allele origin: germline.
Comment: The NC_012920.1:m.15381C>T (YP_003024038.1:p.Thr212Ile) variant in MTCYB gene is interpretated to be a Likely Benign variant based on the modified ACMG guidelines (unpublished). This variant meets the following evidence codes: BS1, BP4